The following is an entry in ClinVar:

ClinVar aggregate classification (germline): Uncertain significance. Review status: criteria provided, multiple submitters, no conflicts (2 of 4 stars). 3 submissions from 3 submitters: Uncertain significance (3). Last evaluated 2025-12-22.

Conditions:
Hypogonadotropic hypogonadism 2 with or without anosmia (HH2). Also called: FGFR1-Related GnRH Deficiency (Kallmann Syndrome 2); HYPOGONADOTROPIC HYPOGONADISM 2 WITHOUT ANOSMIA; HYPOGONADOTROPIC HYPOGONADISM 2 WITH OR WITHOUT ANOSMIA, SUSCEPTIBILITY TO; HYPOGONADOTROPIC HYPOGONADISM 2 WITHOUT ANOSMIA, SUSCEPTIBILITY TO. Identifiers: Orphanet 478, MedGen C1563720, MONDO:0007844, OMIM 147950. Disease mechanism: loss of function.
Hartsfield-Bixler-Demyer syndrome (HRTFDS). Also called: FGFR1-Related Hartsfield Syndrome; Holoprosencephaly, ectrodactyly, and bilateral cleft lip/palate; Hartsfield syndrome. Identifiers: Orphanet 2117, MedGen C1845146, MONDO:0014196, OMIM 615465. Disease mechanism: loss of function.
Jackson-Weiss syndrome (JWS). Also called: CRANIOSYNOSTOSIS, MIDFACIAL HYPOPLASIA, AND FOOT ABNORMALITIES. Identifiers: Orphanet 1540, MedGen C0795998, MONDO:0007400, OMIM 123150. Disease mechanism: loss of function.
Trigonocephaly 1 (TRIGNO1). Identifiers: Orphanet 3366, MedGen C0432122, MONDO:0008603, OMIM 190440.
Encephalocraniocutaneous lipomatosis (ECCL). Identifiers: Orphanet 2396, MedGen C0406612, MONDO:0013074, OMIM 613001.
Pfeiffer syndrome (ACS5). Also called: ACS V. Identifiers: Orphanet 710, MedGen C0220658, MONDO:0007043, OMIM 101600.
Osteoglophonic dysplasia (OGD). Also called: Osteoglophonic dwarfism. Identifiers: Orphanet 2645, MedGen C0432283, MONDO:0008150, OMIM 166250.

Allele frequency attached by ClinVar (database versions not stated): ExAC 0.00006; gnomAD exomes 0.00009 and 0.00031; TOPMed 0.00012; gnomAD 0.00013 and 0.00014; ESP Exome Variant Server 0.00041.
gnomAD v4.1: 483 of 1,614,016 alleles (0.03%); highest among the groups gnomAD compares: Non-Finnish European, 0.038%; no homozygotes.

Submissions (3):

Labcorp Genetics (formerly Invitae), Labcorp
Classification: Uncertain significance for Pfeiffer syndrome; Hypogonadotropic hypogonadism 2 with or without anosmia. Last evaluated: 2025-12-22. Review status: criteria provided, single submitter. Criteria: Invitae Variant Classification Sherloc (09022015). Collection method: clinical testing. Allele origin: germline.
Comment: This sequence change replaces threonine, which is neutral and polar, with arginine, which is basic and polar, at codon 141 of the FGFR1 protein (p.Thr141Arg). This variant is present in population databases (rs200482627, gnomAD 0.02%), and has an allele count higher than expected for a pathogenic variant. This missense change has been observed in individuals with Kallmann syndrome and idiopathic hypogonadotropic hypogonadism (PMID: 23533228, 37805574). ClinVar contains an entry for this variant (Variation ID: 1024176). Invitae Evidence Modeling of protein sequence and biophysical properties (such as structural, functional, and spatial information, amino acid conservation, physicochemical variation, residue mobility, and thermodynamic stability) indicates that this missense variant is not expected to disrupt FGFR1 protein function with a negative predictive value of 80%. In summary, the available evidence is currently insufficient to determine the role of this variant in disease. Therefore, it has been classified as a Variant of Uncertain Significance.

Fulgent Genetics
Classification: Uncertain significance for Pfeiffer syndrome; Jackson-Weiss syndrome; Hypogonadotropic hypogonadism 2 with or without anosmia; Osteoglophonic dysplasia; Trigonocephaly 1; Encephalocraniocutaneous lipomatosis; Hartsfield-Bixler-Demyer syndrome. Last evaluated: 2024-05-30. Review status: criteria provided, single submitter. Criteria: ACMG Guidelines, 2015. Collection method: clinical testing. Allele origin: germline.

Reproductive Endocrine Unit, Massachusetts General Hospital
Classification: Uncertain significance for Hypogonadotropic hypogonadism 2 with or without anosmia. Last evaluated: 2023-05-04. Review status: criteria provided, single submitter. Criteria: ACMG Guidelines, 2015. Collection method: research. Allele origin: inherited. Affected: yes. Observed: 1 variant allele.

Literature cited by the submitters: PubMed 23533228 (cited by Labcorp Genetics (formerly Invitae), Labcorp); PubMed 37805574 (cited by Labcorp Genetics (formerly Invitae), Labcorp).

NM_023110.3(FGFR1):c.422C>G (p.Thr141Arg)

Gene: FGFR1 (fibroblast growth factor receptor 1; minus strand). Cytogenetic location: 8p11.23.
Variant type: single nucleotide variant.
Coding change: c.422C>G on transcript NM_023110.3 (MANE Select); coding-DNA position 422, C replaced by G.
Protein change: p.Thr141Arg; replaces threonine 141 with arginine.
Molecular consequence: missense variant.
Genome position (GRCh38, 1-based): chr8:38,428,372, G>C on the plus strand (C>G on the coding strand, the complement: FGFR1 is on the minus strand). VCF-style: chr8-38428372-G-C. GRCh37 (hg19) VCF-style: chr8-38285890-G-C.
Other names: c.422C>G, p.Thr141Arg (NM_001174063.2, NM_001174065.2, NM_001354367.2 and 2 more transcripts); c.398C>G, p.Thr133Arg (NM_001174064.2); c.155C>G, p.Thr52Arg (NM_001174066.2, NM_001354368.2, NM_001354370.2 and 2 more transcripts); c.521C>G, p.Thr174Arg (NM_001174067.2); c.422C>G (NM_023110.2); short protein forms T133R, T141R, T174R, T52R.
Identifiers: ClinVar variation 1024176 (VCV001024176.8), dbSNP rs200482627, ClinGen allele CA4718750.
Genomic context (GRCh38, chr8:38,428,372, plus strand): 5'-CCAAAGGGCAGTAAGATAGGAAACAGTGTCTCACGCATACGGTTTGGTTTGGTGTTATCT[G>C]TTTCTTTCTCCTCTGAAGAGGAGTCATCATCATCATCATCATCCTCCGAGGAGGGGAGAG-3'
Protein context (NP_075598.2, residues 131-151): DDDSSSEEKE[Thr141Arg]DNTKPNRMPV